The following is an entry in ClinVar:

NM_003924.4(PHOX2B):c.671C>T (p.Pro224Leu)

Gene: PHOX2B (paired like homeobox 2B; minus strand). Cytogenetic location: 4p13.
Variant type: single nucleotide variant.
Coding change: c.671C>T on transcript NM_003924.4 (MANE Select); coding-DNA position 671, C replaced by T.
Protein change: p.Pro224Leu; replaces proline 224 with leucine.
Molecular consequence: missense variant.
Genome position (GRCh38, 1-based): chr4:41,746,081, G>A on the plus strand (C>T on the coding strand, the complement: PHOX2B is on the minus strand). VCF-style: chr4-41746081-G-A. GRCh37 (hg19) VCF-style: chr4-41748098-G-A.
Other names: short protein forms P224L.
Identifiers: ClinVar variation 837800 (VCV000837800.11), dbSNP rs1733886361, ClinGen allele CA356737444.

ClinVar aggregate classification (germline): Uncertain significance. Review status: criteria provided, multiple submitters, no conflicts (2 of 4 stars). 2 submissions from 2 submitters: Uncertain significance (2). Last evaluated 2026-07-20.

Conditions:
Haddad syndrome (OHD). Also called: Ondine-Hirschsprung disease. Identifiers: Orphanet 99803, MedGen C1859049, MONDO:0020493.
Hereditary cancer-predisposing syndrome. Also called: Tumor predisposition; Hereditary neoplastic syndrome; Neoplastic Syndromes, Hereditary; Hereditary Cancer Syndrome. Identifiers: Orphanet 140162, MedGen C0027672, MeSH D009386, MONDO:0015356.

Submissions (2):

Ambry Genetics
Classification: Uncertain significance for Hereditary cancer-predisposing syndrome. Last evaluated: 2026-07-20. Review status: criteria provided, single submitter. Criteria: Ambry Variant Classification Scheme 2023. Collection method: clinical testing. Allele origin: germline.

Labcorp Genetics (formerly Invitae), Labcorp
Classification: Uncertain significance for Haddad syndrome. Last evaluated: 2022-02-11. Review status: criteria provided, single submitter. Criteria: Invitae Variant Classification Sherloc (09022015). Collection method: clinical testing. Allele origin: germline.
Comment: In summary, the available evidence is currently insufficient to determine the role of this variant in disease. Therefore, it has been classified as a Variant of Uncertain Significance. Algorithms developed to predict the effect of missense changes on protein structure and function are either unavailable or do not agree on the potential impact of this missense change (SIFT: "Tolerated"; PolyPhen-2: "Not Available"; Align-GVGD: "Class C0"). ClinVar contains an entry for this variant (Variation ID: 837800). This variant has not been reported in the literature in individuals affected with PHOX2B-related conditions. This variant is not present in population databases (gnomAD no frequency). This sequence change replaces proline, which is neutral and non-polar, with leucine, which is neutral and non-polar, at codon 224 of the PHOX2B protein (p.Pro224Leu).